The following is an entry in ClinVar:

ClinVar aggregate classification (germline): Uncertain significance. Review status: criteria provided, multiple submitters, no conflicts (2 of 4 stars). 3 submissions from 3 submitters: Uncertain significance (2). 1 of the submissions does not count toward it. Last evaluated 2024-03-15.

Conditions:
Emery-Dreifuss muscular dystrophy (EDMD). Also called: Scapuloperoneal syndrome, X-linked (formerly); Humeroperoneal neuromuscular disease, (formerly). Identifiers: Orphanet 261, MedGen C0410189, MONDO:0016830.
Cardiovascular phenotype. Identifiers: MedGen CN230736.
X-linked Emery-Dreifuss muscular dystrophy. Also called: Muscular dystrophy, tardive Emery-Dreifuss type, with contractures. Identifiers: Orphanet 261, Orphanet 98863, MedGen C0751337, MONDO:0010680.

Allele frequency attached by ClinVar (database versions not stated): gnomAD exomes below 0.00001.

Submissions (3):

Ambry Genetics
Classification: Uncertain significance for Cardiovascular phenotype. Last evaluated: 2024-03-15. Review status: criteria provided, single submitter. Criteria: Ambry Variant Classification Scheme 2023. Collection method: clinical testing. Allele origin: germline.
Comment: The p.I164L variant (also known as c.490A>C), located in coding exon 6 of the EMD gene, results from an A to C substitution at nucleotide position 490. The isoleucine at codon 164 is replaced by leucine, an amino acid with highly similar properties. This amino acid position is not well conserved in available vertebrate species. In addition, this alteration is predicted to be tolerated by in silico analysis. Based on the available evidence, the clinical significance of this alteration remains unclear.

Labcorp Genetics (formerly Invitae), Labcorp
Classification: Uncertain significance for X-linked Emery-Dreifuss muscular dystrophy. Last evaluated: 2024-02-14. Review status: criteria provided, single submitter. Criteria: Invitae Variant Classification Sherloc (09022015). Collection method: clinical testing. Allele origin: germline.
Comment: This sequence change replaces isoleucine, which is neutral and non-polar, with leucine, which is neutral and non-polar, at codon 164 of the EMD protein (p.Ile164Leu). This variant is not present in population databases (gnomAD no frequency). This variant has not been reported in the literature in individuals affected with EMD-related conditions. ClinVar contains an entry for this variant (Variation ID: 991382). Advanced modeling of protein sequence and biophysical properties (such as structural, functional, and spatial information, amino acid conservation, physicochemical variation, residue mobility, and thermodynamic stability) performed at Invitae indicates that this missense variant is not expected to disrupt EMD protein function with a negative predictive value of 80%. In summary, the available evidence is currently insufficient to determine the role of this variant in disease. Therefore, it has been classified as a Variant of Uncertain Significance.

Natera, Inc.
Classification: Uncertain significance for Emery-Dreifuss muscular dystrophy. Last evaluated: 2020-08-13. Review status: no assertion criteria provided. Collection method: clinical testing. Allele origin: germline. Not counted in ClinVar's aggregate classification.

NM_000117.3(EMD):c.490A>C (p.Ile164Leu)

Gene: EMD (emerin; plus strand). Cytogenetic location: Xq28.
Variant type: single nucleotide variant.
Coding change: c.490A>C on transcript NM_000117.3 (MANE Select); coding-DNA position 490, A replaced by C.
Protein change: p.Ile164Leu; replaces isoleucine 164 with leucine.
Molecular consequence: missense variant.
Genome position (GRCh38, 1-based): chrX:154,380,922, A>C. VCF-style: chrX-154380922-A-C. GRCh37 (hg19) VCF-style: chrX-153609282-A-C.
Other names: c.490A>C (NM_000117.2); short protein forms I164L.
Identifiers: ClinVar variation 991382 (VCV000991382.12), dbSNP rs2067884058, ClinGen allele CA415258568.
Genomic context (GRCh38, chrX:154,380,922, plus strand): 5'-GCTCCCCTCTTTTGCCTCAGGGAACGCCCCATGTACGGCCGGGACAGTGCCTACCAGAGC[A>C]TCACGCACTACCGCCCTGTTTCAGCCTCCAGGAGCTCCCTGGACCTGTCCTATTATCCTA-3'
Protein context (NP_000108.1, residues 154-174): MYGRDSAYQS[Ile164Leu]THYRPVSASR